The following is an entry in ClinVar:

NM_032737.4(LMNB2):c.1629C>T (p.Pro543=)

Gene: LMNB2 (lamin B2; minus strand). Cytogenetic location: 19p13.3.
Variant type: single nucleotide variant.
Coding change: c.1629C>T on transcript NM_032737.4 (MANE Select); coding-DNA position 1629, C replaced by T.
Protein change: p.Pro543=; no amino-acid change (proline 543 retained).
Molecular consequence: synonymous variant.
Genome position (GRCh38, 1-based): chr19:2,431,864, G>A on the plus strand (C>T on the coding strand, the complement: LMNB2 is on the minus strand). VCF-style: chr19-2431864-G-A. GRCh37 (hg19) VCF-style: chr19-2431862-G-A.
Identifiers: ClinVar variation 1088110 (VCV001088110.32), dbSNP rs149126950, ClinGen allele CA9067394.
Genomic context (GRCh38, chr19:2,431,864, plus strand): 5'-GACGGTGCGGAAGCTCTCGCCCGTGCCCCAGCTGCTCTGGCCCTTCCACACCAGCGTCGA[G>A]GGGGGGCTGTGGGCCACCCCCGCACCAGCTGCCCACACCTGAGGACCCAATAACAATGGC-3'
Protein context (NP_116126.3, residues 533-553): AAGAGVAHSP[Pro543=]STLVWKGQSS

ClinVar aggregate classification (germline): Likely benign. Review status: criteria provided, multiple submitters, no conflicts (2 of 4 stars). 2 submissions from 2 submitters: Likely benign (2). Last evaluated 2023-05-01.

Conditions:
Lipodystrophy, partial, acquired, susceptibility to (APLD). Also called: APLD, SUSCEPTIBILITY TO. Identifiers: MedGen C3887501, MONDO:0100476, OMIM 608709.
Progressive myoclonic epilepsy type 9. Identifiers: Orphanet 457265, MedGen C4225289, MONDO:0014685, OMIM 616540.

Allele frequency attached by ClinVar (database versions not stated): ESP Exome Variant Server 0.00008; 1000 Genomes Project 30x 0.00031; 1000 Genomes Project 0.00040.
gnomAD v4.1: 53 of 1,612,892 alleles (0.0033%); highest among the groups gnomAD compares: African/African-American, 0.059%; no homozygotes.

Submissions (2):

CeGaT Center for Human Genetics Tuebingen
Classification: Likely benign. Last evaluated: 2023-05-01. Review status: criteria provided, single submitter. Criteria: CeGaT Center For Human Genetics Tuebingen Variant Classification Criteria Version 2. Collection method: clinical testing. Allele origin: germline. Affected: yes. Observed: 1 variant allele.
Comment: LMNB2: BP4, BP7

Labcorp Genetics (formerly Invitae), Labcorp
Classification: Likely benign for Progressive myoclonic epilepsy type 9; Lipodystrophy, partial, acquired, susceptibility to. Last evaluated: 2022-03-19. Review status: criteria provided, single submitter. Criteria: Invitae Variant Classification Sherloc (09022015). Collection method: clinical testing. Allele origin: germline.